The following is an entry in ClinVar:

NM_000088.4(COL1A1):c.3063dup (p.Gly1022fs)

Gene: COL1A1 (collagen type I alpha 1 chain; minus strand). Cytogenetic location: 17q21.33.
Variant type: Duplication.
Coding change: c.3063dup on transcript NM_000088.4 (MANE Select); coding-DNA position 3063, one base duplicated (A; older notation c.3063dupA).
Protein change: p.Gly1022fs; shifts the reading frame from glycine 1022.
Molecular consequence: frameshift variant.
Genome position (GRCh38, 1-based): chr17:50,188,778, T duplicated on the plus strand (A on the coding strand, the reverse complement: COL1A1 is on the minus strand); the first of 2 consecutive T bases (chr17:50,188,778-50,188,779); duplicating either gives the same sequence. VCF-style (leftmost placement, unchanged base first): chr17-50188777-C-CT. GRCh37 (hg19) VCF-style: chr17-48266138-C-CT.
Other names: short protein forms G1022fs.
Identifiers: ClinVar variation 4880640 (VCV004880640.2).

ClinVar aggregate classification (germline): Likely pathogenic (1 of 4 stars; one submission).

Submission:

Dasa
Classification: Likely pathogenic. Last evaluated: 2026-03-20. Review status: criteria provided, single submitter. Criteria: DASA Assertion Criteria. Collection method: clinical testing. Allele origin: germline.
Comment: NM_000088.4(COL1A1):c.3063dup (p.Gly1022Argfs*14) is a frameshift variant in COL1A1 predicted to alter the reading frame and introduce a premature termination codon and is predicted to result in an absent or altered protein product. Loss of function is an established disease mechanism for COL1A1 (PMID: 9067755; PMID: 9016532). Also, this variant is rare in population databases. Based on the currently available evidence, this variant is classified as likely pathogenic.

Literature cited by the submitters: PubMed 9067755; PubMed 9016532.